The following is an entry in ClinVar:

NM_147127.5(EVC2):c.1040C>T (p.Pro347Leu)

Gene: EVC2 (EvC ciliary complex subunit 2; minus strand). Cytogenetic location: 4p16.2.
Variant type: single nucleotide variant.
Coding change: c.1040C>T on transcript NM_147127.5 (MANE Select); coding-DNA position 1040, C replaced by T.
Protein change: p.Pro347Leu; replaces proline 347 with leucine.
Molecular consequence: missense variant.
Genome position (GRCh38, 1-based): chr4:5,663,212, G>A on the plus strand (C>T on the coding strand, the complement: EVC2 is on the minus strand). VCF-style: chr4-5663212-G-A. GRCh37 (hg19) VCF-style: chr4-5664939-G-A.
Other names: c.800C>T, p.Pro267Leu (NM_001166136.2); short protein forms P347L, P267L.
Identifiers: ClinVar variation 767181 (VCV000767181.21), dbSNP rs199708349, ClinGen allele CA2835172.

ClinVar aggregate classification (germline): Benign/Likely benign. Review status: criteria provided, multiple submitters, no conflicts (2 of 4 stars). 5 submissions from 5 submitters: Benign (3); Likely benign (1). 1 of the submissions does not count toward it. Last evaluated 2026-02-04.

Conditions:
EVC2-related disorder. Also called: EVC2-related condition.
Curry-Hall syndrome (WAD). Also called: WEYERS ACRODENTAL DYSOSTOSIS. Identifiers: Orphanet 952, MedGen C0457013, MONDO:0008673, OMIM 193530.
Ellis-van Creveld syndrome (EVC). Also called: Chondroectodermal dysplasia; MESOECTODERMAL DYSPLASIA. Identifiers: Orphanet 289, MedGen C0013903, MONDO:0009162, OMIM 225500.

Allele frequency attached by ClinVar (database versions not stated): TOPMed 0.00003; gnomAD 0.00004 and 0.00039; ESP Exome Variant Server 0.00015; 1000 Genomes Project 0.00140; gnomAD exomes 0.00148; 1000 Genomes Project 30x 0.00156; ExAC 0.00179.
gnomAD v4.1: 1,125 of 1,614,118 alleles (0.07%); highest among the groups gnomAD compares: South Asian, 1.1%; 21 homozygotes.

Submissions (5):

Labcorp Genetics (formerly Invitae), Labcorp
Classification: Benign for Curry-Hall syndrome; Ellis-van Creveld syndrome. Last evaluated: 2026-02-04. Review status: criteria provided, single submitter. Criteria: Invitae Variant Classification Sherloc (09022015). Collection method: clinical testing. Allele origin: germline.

CeGaT Center for Human Genetics Tuebingen
Classification: Benign. Last evaluated: 2026-01-01. Review status: criteria provided, single submitter. Criteria: CeGaT Center For Human Genetics Tuebingen Variant Classification Criteria Version 2. Collection method: clinical testing. Allele origin: germline. Affected: yes. Observed: 1 variant allele.
Comment: EVC2: BP4, BS1, BS2

GeneDx
Classification: Likely benign. Last evaluated: 2024-02-05. Review status: criteria provided, single submitter. Criteria: GeneDx Variant Classification Process June 2021. Collection method: clinical testing. Allele origin: germline. Affected: yes.
Comment: See Variant Classification Assertion Criteria.

Illumina Laboratory Services, Illumina
Classification: Benign for Ellis-van Creveld syndrome. Last evaluated: 2018-01-13. Review status: criteria provided, single submitter. Criteria: ICSL Variant Classification Criteria 13 December 2019. Collection method: clinical testing. Allele origin: germline.
Comment: This variant was observed in the ICSL laboratory as part of a predisposition screen in an ostensibly healthy population. It had not been previously curated by ICSL or reported in the Human Gene Mutation Database (HGMD: prior to June 1st, 2018), and was therefore a candidate for classification through an automated scoring system. Utilizing variant allele frequency, disease prevalence and penetrance estimates, and inheritance mode, an automated score was calculated to assess if this variant is too frequent to cause the disease. Based on the score and internal cut-off values, a variant classified as benign is not then subjected to further curation. The score for this variant resulted in a classification of benign for this disease.

PreventionGenetics, part of Exact Sciences
Classification: Benign for EVC2-related condition. Last evaluated: 2020-01-24. Review status: no assertion criteria provided. Collection method: clinical testing. Allele origin: germline. Not counted in ClinVar's aggregate classification.
Comment: This variant is classified as benign based on ACMG/AMP sequence variant interpretation guidelines (Richards et al. 2015 PMID: 25741868, with internal and published modifications).